The following is an entry in ClinVar:

ClinVar aggregate classification (germline): Pathogenic/Likely pathogenic. Review status: criteria provided, multiple submitters, no conflicts (2 of 4 stars). 2 submissions from 2 submitters: Pathogenic (1); Likely pathogenic (1). Last evaluated 2025-05-21.

Submissions (2):

Dasa
Classification: Likely pathogenic. Last evaluated: 2025-05-21. Review status: criteria provided, single submitter. Criteria: DASA Assertion Criteria. Collection method: clinical testing. Allele origin: germline.
Comment: NM_000326.5(RLBP1):c.446_447del (p.Ser149*) is a nonsense variant in RLBP1 predicted to introduce a premature termination codon and is predicted to result in an absent or altered protein product. Loss of function is an established disease mechanism for RLBP1-associated disorders. Also, this variant is absent from population databases. Based on the currently available evidence, this variant is classified as likely pathogenic.

Labcorp Genetics (formerly Invitae), Labcorp
Classification: Pathogenic. Last evaluated: 2023-07-10. Review status: criteria provided, single submitter. Criteria: Invitae Variant Classification Sherloc (09022015). Collection method: clinical testing. Allele origin: germline.
Comment: This sequence change creates a premature translational stop signal (p.Ser149*) in the RLBP1 gene. It is expected to result in an absent or disrupted protein product. Loss-of-function variants in RLBP1 are known to be pathogenic (PMID: 2392416, 11301032, 21447491, 25429852). This variant is not present in population databases (gnomAD no frequency). This variant has not been reported in the literature in individuals affected with RLBP1-related conditions. For these reasons, this variant has been classified as Pathogenic.

Literature cited by the submitters: PubMed 2392416 (cited by Labcorp Genetics (formerly Invitae), Labcorp); PubMed 11301032 (cited by Labcorp Genetics (formerly Invitae), Labcorp); PubMed 21447491 (cited by Labcorp Genetics (formerly Invitae), Labcorp); PubMed 25429852 (cited by Labcorp Genetics (formerly Invitae), Labcorp).

NM_000326.5(RLBP1):c.446_447del (p.Leu148_Ser149insTer)

Gene: RLBP1 (retinaldehyde binding protein 1; minus strand). Cytogenetic location: 15q26.1.
Variant type: Microsatellite.
Coding change: c.446_447del on transcript NM_000326.5 (MANE Select); coding-DNA positions 446 to 447, 2 bases deleted (CT; older notation c.446_447delCT).
Protein change: p.Leu148_Ser149insTer.
Molecular consequence: nonsense.
Genome position (GRCh38, 1-based): chr15:89,215,138-89,215,139, AG deleted on the plus strand (CT on the coding strand, the reverse complement: RLBP1 is on the minus strand); deleting any 2 consecutive bases within chr15:89,215,138-89,215,143 gives the same sequence; the c. name uses the placement nearest the transcript's 3' end. VCF-style (leftmost placement, unchanged base first): chr15-89215137-TAG-T. GRCh37 (hg19) VCF-style: chr15-89758368-TAG-T.
Identifiers: ClinVar variation 2873431 (VCV002873431.5), dbSNP rs2505860539, ClinGen allele CA2739269707.
Genomic context (GRCh38, chr15:89,215,137, plus strand): 5'-CTTGACTTTGCCAGTTCTCAATGTTGAAGAGCATGACCACTCGGCCATACTTGTCCCGAC[TAG>T]AGAGGACACCAGGGTAGCCAGCTTCAATGGTGCAGCGGACAGCCTCTGGGGACAGGCTGT-3'